The following is an entry in ClinVar:

NM_001267550.2(TTN):c.37577A>T (p.Lys12526Met)

Gene: TTN (titin; minus strand). Cytogenetic location: 2q31.2.
Variant type: single nucleotide variant.
Coding change: c.37577A>T on transcript NM_001267550.2 (MANE Select); coding-DNA position 37577, A replaced by T.
Protein change: p.Lys12526Met; replaces lysine 12526 with methionine.
Molecular consequence: missense variant. On other transcripts: intron variant (5).
Genome position (GRCh38, 1-based): chr2:178,658,518, T>A on the plus strand (A>T on the coding strand, the complement: TTN is on the minus strand). VCF-style: chr2-178658518-T-A. GRCh37 (hg19) VCF-style: chr2-179523245-T-A.
Other names: c.13283-16201A>T (NM_003319.4); c.13859-16201A>T (NM_133437.4); c.13658-16201A>T (NM_133432.3); c.31741+487A>T (NM_133378.4); c.34522+487A>T (NM_001256850.1); short protein forms K12526M.
Identifiers: ClinVar variation 4977980 (VCV004977980.1).

ClinVar aggregate classification (germline): Uncertain significance (1 of 4 stars; one submission).

Conditions:
TTN-related disorder. Also called: TTN-related condition; TTN-related disease; TTN-related disorders.

Submission:

PreventionGenetics, part of Exact Sciences
Classification: Uncertain significance for TTN-related condition. Last evaluated: 2026-07-06. Review status: criteria provided, single submitter. Criteria: ACMG Guidelines, 2015. Collection method: clinical testing. Allele origin: germline.
Comment: The TTN c.37577A>T variant is predicted to result in the amino acid substitution p.Lys12526Met. To our knowledge, this variant has not been reported in the literature or in a large population database (gnomAD), indicating this variant is rare. This variant falls within a highly paralogous region. Allele frequency data should be interpreted with caution. At this time, the clinical significance of this variant is uncertain due to the absence of conclusive functional and genetic evidence.